The following is an entry in ClinVar:

ClinVar aggregate classification (germline): Uncertain significance (1 of 4 stars; one submission).

Conditions:
Charcot-Marie-Tooth disease type 2. Also called: Charcot-Marie-Tooth type 2. Identifiers: Orphanet 64746, MedGen C0270914, MONDO:0018993.

Submission:

Labcorp Genetics (formerly Invitae), Labcorp
Classification: Uncertain significance for Charcot-Marie-Tooth disease type 2. Last evaluated: 2025-02-12. Review status: criteria provided, single submitter. Criteria: Invitae Variant Classification Sherloc (09022015). Collection method: clinical testing. Allele origin: germline.
Comment: This sequence change replaces serine, which is neutral and polar, with arginine, which is basic and polar, at codon 342 of the AARS protein (p.Ser342Arg). This variant is not present in population databases (gnomAD no frequency). This variant has not been reported in the literature in individuals affected with AARS-related conditions. ClinVar contains an entry for this variant (Variation ID: 1955081). Invitae Evidence Modeling of protein sequence and biophysical properties (such as structural, functional, and spatial information, amino acid conservation, physicochemical variation, residue mobility, and thermodynamic stability) indicates that this missense variant is not expected to disrupt AARS protein function with a negative predictive value of 95%. In summary, the available evidence is currently insufficient to determine the role of this variant in disease. Therefore, it has been classified as a Variant of Uncertain Significance.

NM_001605.3(AARS1):c.1026C>G (p.Ser342Arg)

Gene: AARS1 (alanyl-tRNA synthetase 1; minus strand). Cytogenetic location: 16q22.1.
Variant type: single nucleotide variant.
Coding change: c.1026C>G on transcript NM_001605.3 (MANE Select); coding-DNA position 1026, C replaced by G.
Protein change: p.Ser342Arg; replaces serine 342 with arginine.
Molecular consequence: missense variant.
Genome position (GRCh38, 1-based): chr16:70,268,316, G>C on the plus strand (C>G on the coding strand, the complement: AARS1 is on the minus strand). VCF-style: chr16-70268316-G-C. GRCh37 (hg19) VCF-style: chr16-70302219-G-C.
Other names: short protein forms S342R.
Identifiers: ClinVar variation 1955081 (VCV001955081.5), dbSNP rs2152160709, ClinGen allele CA396564173.